The following is an entry in ClinVar:

ClinVar aggregate classification (germline): Uncertain significance. Review status: criteria provided, multiple submitters, no conflicts (2 of 4 stars). 2 submissions from 2 submitters: Uncertain significance (2). Last evaluated 2024-01-03.

Conditions:
Peroxisome biogenesis disorder. Identifiers: Orphanet 79189, MedGen C1832200, MONDO:0019234. Disease mechanism: loss of function.
Inborn genetic diseases. Identifiers: MedGen C0950123, MeSH D030342.

Allele frequency attached by ClinVar (database versions not stated): gnomAD 0.00001; gnomAD exomes 0.00001; TOPMed 0.00001; ExAC 0.00002; ESP Exome Variant Server 0.00008.

Submissions (2):

Ambry Genetics
Classification: Uncertain significance for Inborn genetic diseases. Last evaluated: 2024-01-03. Review status: criteria provided, single submitter. Criteria: Ambry Variant Classification Scheme 2023. Collection method: clinical testing. Allele origin: germline.

Labcorp Genetics (formerly Invitae), Labcorp
Classification: Uncertain significance for Peroxisome biogenesis disorder. Last evaluated: 2023-11-20. Review status: criteria provided, single submitter. Criteria: Invitae Variant Classification Sherloc (09022015). Collection method: clinical testing. Allele origin: germline.
Comment: This sequence change replaces glutamic acid, which is acidic and polar, with lysine, which is basic and polar, at codon 204 of the PEX16 protein (p.Glu204Lys). This variant is present in population databases (rs368553807, gnomAD 0.006%). This variant has not been reported in the literature in individuals affected with PEX16-related conditions. ClinVar contains an entry for this variant (Variation ID: 1504188). Advanced modeling of protein sequence and biophysical properties (such as structural, functional, and spatial information, amino acid conservation, physicochemical variation, residue mobility, and thermodynamic stability) performed at Invitae indicates that this missense variant is not expected to disrupt PEX16 protein function with a negative predictive value of 80%. In summary, the available evidence is currently insufficient to determine the role of this variant in disease. Therefore, it has been classified as a Variant of Uncertain Significance.

NM_004813.4(PEX16):c.610G>A (p.Glu204Lys)

Gene: PEX16 (peroxisomal biogenesis factor 16; minus strand). Cytogenetic location: 11p11.2.
Variant type: single nucleotide variant.
Coding change: c.610G>A on transcript NM_004813.4 (MANE Select); coding-DNA position 610, G replaced by A.
Protein change: p.Glu204Lys; replaces glutamic acid 204 with lysine.
Molecular consequence: missense variant.
Genome position (GRCh38, 1-based): chr11:45,914,400, C>T on the plus strand (G>A on the coding strand, the complement: PEX16 is on the minus strand). VCF-style: chr11-45914400-C-T. GRCh37 (hg19) VCF-style: chr11-45935951-C-T.
Other names: c.610G>A, p.Glu204Lys (NM_057174.3); c.610G>A (NM_004813.2); short protein forms E204K.
Identifiers: ClinVar variation 1504188 (VCV001504188.7), dbSNP rs368553807, ClinGen allele CA5959901.
Genomic context (GRCh38, chr11:45,914,400, plus strand): 5'-ACAAAAACTCTGCGATGGTCTCCTGCAGCCCCAGGGGGGTGGGGGTCGCACTCAGCTCCT[C>T]GTGATGCTGCTGCTGCCGTCCCTCCCGCTGCTGGGGAGCTCCCCAGTGCCTGGAGTGCAG-3'
Protein context (NP_004804.2, residues 194-214): QREGRQQQHH[Glu204Lys]ELSATPTPLG